The following is an entry in ClinVar:

ClinVar aggregate classification (germline): Benign/Likely benign. Review status: criteria provided, multiple submitters, no conflicts (2 of 4 stars). 3 submissions from 3 submitters: Benign (1); Likely benign (2). Last evaluated 2026-05-01.

Conditions:
THSD4-related disorder. Also called: THSD4-related condition.
Familial thoracic aortic aneurysm and aortic dissection (TAAD). Also called: Thoracic aortic aneurysms and dissections. Identifiers: Orphanet 91387, MedGen C4707243, MONDO:0019625.

Allele frequency attached by ClinVar (database versions not stated): 1000 Genomes Project 30x 0.00062; 1000 Genomes Project 0.00080; ESP Exome Variant Server 0.00173; gnomAD 0.00194; ExAC 0.00197; TOPMed 0.00210; gnomAD exomes 0.00240.

Submissions (3):

CeGaT Center for Human Genetics Tuebingen
Classification: Likely benign. Last evaluated: 2026-05-01. Review status: criteria provided, single submitter. Criteria: CeGaT Center For Human Genetics Tuebingen Variant Classification Criteria Version 2. Collection method: clinical testing. Allele origin: germline. Affected: yes. Observed: 14 variant alleles.
Comment: THSD4: PM4, BS1

PreventionGenetics, part of Exact Sciences
Classification: Likely benign for THSD4-related condition. Last evaluated: 2026-04-02. Review status: criteria provided, single submitter. Criteria: ACMG Guidelines, 2015. Collection method: clinical testing. Allele origin: germline.
Comment: This variant is classified as likely benign based on ACMG/AMP sequence variant interpretation guidelines (Richards et al. 2015 PMID: 25741868, with internal and published modifications).

CHEO Genetics Diagnostic Laboratory, Children's Hospital of Eastern Ontario
Classification: Benign for Familial thoracic aortic aneurysm and aortic dissection. Last evaluated: 2023-05-04. Review status: criteria provided, single submitter. Criteria: ACMG Guidelines, 2015. Collection method: clinical testing. Allele origin: germline.

NM_024817.3(THSD4):c.2830_2835del (p.Met944_Thr945del)

Gene: THSD4 (thrombospondin type 1 domain containing 4; plus strand). Cytogenetic location: 15q23.
Variant type: Deletion.
Coding change: c.2830_2835del on transcript NM_024817.3 (MANE Select); coding-DNA positions 2830 to 2835, 6 bases deleted (ATGACT; older notation c.2830_2835delATGACT).
Protein change: p.Met944_Thr945del.
Molecular consequence: inframe deletion.
Genome position (GRCh38, 1-based): chr15:71,771,124-71,771,129, ATGACT deleted. VCF-style (leftmost placement, unchanged base first): chr15-71771123-CATGACT-C. GRCh37 (hg19) VCF-style: chr15-72063462-CATGACT-C.
Other names: c.1750_1755del, p.Met584_Thr585del (NM_001286429.2); c.2830_2835del, p.Met944_Thr945del (NM_001394532.1); c.2830_2835del6 (NM_024817.2); c.2830_2835del (NM_024817.2).
Identifiers: ClinVar variation 2498619 (VCV002498619.30), dbSNP rs577772364, ClinGen allele CA7640058.
Genomic context (GRCh38, chr15:71,771,123, plus strand): 5'-GTGTTCCAAGAGCTGCCAGGGTGGCTTTCGGGTCCGGGAAGTGCGGTGTCTGTCTGATGA[CATGACT>C]CTAAGTAACCTCTGTGACCCTCAGTTGAAACCAGAAGAGAGAGAATCTTGTAACCCTCAG-3'